The following is an entry in ClinVar:

ClinVar aggregate classification (germline): Likely benign. Review status: criteria provided, multiple submitters, no conflicts (2 of 4 stars). 6 submissions from 6 submitters: Likely benign (4). 2 of the submissions do not count toward it. Last evaluated 2024-05-06.

Conditions:
Cardiovascular phenotype. Identifiers: MedGen CN230736.
Cardiomyopathy (CMYO). Also called: Cardiomyopathies. Identifiers: Orphanet 167848, MedGen C0878544, MONDO:0004994, HP:0001638. Inheritance: Various modes of inheritance.
Hypertrophic cardiomyopathy. Also called: HYPERTROPHIC MYOCARDIOPATHY. Identifiers: Orphanet 217569, MedGen C0007194, MeSH D002312, MONDO:0005045, HP:0001639.

Allele frequency attached by ClinVar (database versions not stated): TOPMed below 0.00001; gnomAD exomes 0.00001; gnomAD 0.00001.
gnomAD v4.1: 16 of 1,601,994 alleles (0.001%); highest among the groups gnomAD compares: Non-Finnish European, 0.0012%; no homozygotes.

Submissions (6):

Labcorp Genetics (formerly Invitae), Labcorp
Classification: Likely benign for Hypertrophic cardiomyopathy. Last evaluated: 2024-05-06. Review status: criteria provided, single submitter. Criteria: Invitae Variant Classification Sherloc (09022015). Collection method: clinical testing. Allele origin: germline.

All of Us Research Program, National Institutes of Health
Classification: Likely benign for Cardiomyopathy. Last evaluated: 2024-03-24. Review status: criteria provided, single submitter. Criteria: ACMG Guidelines, 2015. Collection method: clinical testing. Allele origin: germline. Inheritance: Autosomal dominant inheritance. Observed: 2 variant alleles, 2 heterozygotes.
Comment: This study involves interpretation of variants in research participants for the purpose of population health screening. Participant phenotype was not available at the time of variant classification. Additional details can be found in publication PMID: 35346344, PMCID: PMC8962531

Ambry Genetics
Classification: Likely benign for Cardiovascular phenotype. Last evaluated: 2020-06-15. Review status: criteria provided, single submitter. Criteria: Ambry Variant Classification Scheme 2023. Collection method: clinical testing. Allele origin: germline.

Color Diagnostics, LLC DBA Color Health
Classification: Likely benign for Cardiomyopathy. Last evaluated: 2019-06-18. Review status: criteria provided, single submitter. Criteria: ACMG Guidelines, 2015. Collection method: clinical testing. Allele origin: germline.

Clinical Genetics, Academic Medical Center
Classification: Benign. Review status: no assertion criteria provided. Collection method: clinical testing. Allele origin: germline. Affected: yes. Study: VKGL Data-share Consensus. Not counted in ClinVar's aggregate classification.

Genome Diagnostics Laboratory, University Medical Center Utrecht
Classification: Likely benign. Review status: no assertion criteria provided. Collection method: clinical testing. Allele origin: germline. Affected: yes. Study: VKGL Data-share Consensus. Not counted in ClinVar's aggregate classification.

NM_000257.4(MYH7):c.3408C>T (p.Arg1136=)

Gene: MYH7 (myosin heavy chain 7; minus strand). Cytogenetic location: 14q11.2.
Variant type: single nucleotide variant.
Coding change: c.3408C>T on transcript NM_000257.4 (MANE Select); coding-DNA position 3408, C replaced by T.
Protein change: p.Arg1136=; no amino-acid change (arginine 1136 retained).
Molecular consequence: synonymous variant.
Genome position (GRCh38, 1-based): chr14:23,420,163, G>A on the plus strand (C>T on the coding strand, the complement: MYH7 is on the minus strand). VCF-style: chr14-23420163-G-A. GRCh37 (hg19) VCF-style: chr14-23889372-G-A.
Identifiers: ClinVar variation 1115451 (VCV001115451.14), dbSNP rs947702752, ClinGen allele CA257815784.